The following is an entry in ClinVar:

ClinVar aggregate classification (germline): Uncertain significance (1 of 4 stars; one submission).

Conditions:
Arginine:glycine amidinotransferase deficiency (CCDS3). Also called: Creatine deficiency syndrome due to AGAT deficiency; GATM deficiency; L-Arginine:Glycine Amidinotransferase (AGAT) Deficiency; L-Arginine:Glycine Amidinotransferase Deficiency; Cerebral creatine deficiency syndrome 3; AGAT deficiency. Identifiers: Orphanet 35704, MedGen C2675179, MONDO:0012996, OMIM 612718.

Allele frequency attached by ClinVar (database versions not stated): gnomAD exomes below 0.00001.
gnomAD v4.1: 6 of 1,614,210 alleles (0.00037%); highest among the groups gnomAD compares: South Asian, 0.0011%; no homozygotes.

Submission:

Labcorp Genetics (formerly Invitae), Labcorp
Classification: Uncertain significance for Arginine:glycine amidinotransferase deficiency. Last evaluated: 2019-05-04. Review status: criteria provided, single submitter. Criteria: Invitae Variant Classification Sherloc (09022015). Collection method: clinical testing. Allele origin: germline.
Comment: This variant has not been reported in the literature in individuals with GATM-related conditions. This sequence change replaces serine with cysteine at codon 46 of the GATM protein (p.Ser46Cys). The serine residue is highly conserved and there is a moderate physicochemical difference between serine and cysteine. This variant is not present in population databases (ExAC no frequency). Algorithms developed to predict the effect of missense changes on protein structure and function are either unavailable or do not agree on the potential impact of this missense change (SIFT: "Deleterious"; PolyPhen-2: "Benign"; Align-GVGD: "Class C0"). In summary, the available evidence is currently insufficient to determine the role of this variant in disease. Therefore, it has been classified as a Variant of Uncertain Significance.

NM_001482.3(GATM):c.137C>G (p.Ser46Cys)

Gene: GATM (glycine amidinotransferase; minus strand). Cytogenetic location: 15q21.1.
Variant type: single nucleotide variant.
Coding change: c.137C>G on transcript NM_001482.3 (MANE Select); coding-DNA position 137, C replaced by G.
Protein change: p.Ser46Cys; replaces serine 46 with cysteine.
Molecular consequence: missense variant. On other transcripts: 5 prime UTR variant (1).
Genome position (GRCh38, 1-based): chr15:45,376,752, G>C on the plus strand (C>G on the coding strand, the complement: GATM is on the minus strand). VCF-style: chr15-45376752-G-C. GRCh37 (hg19) VCF-style: chr15-45668950-G-C.
Other names: c.-251C>G (NM_001321015.2); short protein forms S46C.
Identifiers: ClinVar variation 950095 (VCV000950095.9), dbSNP rs199530681, ClinGen allele CA270173214.
Genomic context (GRCh38, chr15:45,376,752, plus strand): 5'-ACAGGGCAGTCCTTGGGCAGAGGCTCAGTGGCTTTGTCGTCAGCTGCACAGGAGTTCCGG[G>C]AGGAAGCCGTAGCTGCCTGGGTGCTCTGGAAAGTTCGCTGCACCCATCCTGTCAAGGTTC-3'
Protein context (NP_001473.1, residues 36-56): FQSTQAATAS[Ser46Cys]RNSCAADDKA